The following is an entry in ClinVar:

NM_000548.5(TSC2):c.1799A>C (p.His600Pro)

Gene: TSC2 (TSC complex subunit 2; plus strand). Cytogenetic location: 16p13.3.
Variant type: single nucleotide variant.
Coding change: c.1799A>C on transcript NM_000548.5 (MANE Select); coding-DNA position 1799, A replaced by C.
Protein change: p.His600Pro; replaces histidine 600 with proline.
Molecular consequence: missense variant. On other transcripts: non-coding transcript variant (5).
Genome position (GRCh38, 1-based): chr16:2,070,538, A>C. VCF-style: chr16-2070538-A-C. GRCh37 (hg19) VCF-style: chr16-2120539-A-C.
Other names: c.1832A>C, p.His611Pro (NM_001318832.2); c.1799A>C, p.His600Pro (NM_001363528.2, NM_001370404.1, NM_001406665.1 and 6 more transcripts); c.1688A>C, p.His563Pro (NM_001318827.2, NM_001406670.1, NM_001406678.1); c.1652A>C, p.His551Pro (NM_001318829.2, NM_001406675.1, NM_001406676.1 and 1 more transcripts); c.1199A>C, p.His400Pro (NM_001318831.2, NM_001406680.1, NM_001406682.1 and 6 more transcripts); c.1889A>C, p.His630Pro (NM_001406667.1, NM_001406668.1); c.1787A>C, p.His596Pro (NM_001406671.1, NM_001406673.1); c.1742A>C, p.His581Pro (NM_001406677.1); and 3 more; short protein forms H446P, H551P, H596P, H600P, H581P, H611P, H630P, H152P.
Identifiers: ClinVar variation 3462681 (VCV003462681.1).

ClinVar aggregate classification (germline): Uncertain significance (1 of 4 stars; one submission).

Conditions:
Hereditary cancer-predisposing syndrome. Also called: Tumor predisposition; Neoplastic Syndromes, Hereditary; Hereditary neoplastic syndrome; Hereditary Cancer Syndrome. Identifiers: Orphanet 140162, MedGen C0027672, MeSH D009386, MONDO:0015356.

Submission:

Ambry Genetics
Classification: Uncertain significance for Hereditary cancer-predisposing syndrome. Last evaluated: 2024-11-16. Review status: criteria provided, single submitter. Criteria: Ambry Variant Classification Scheme 2023. Collection method: clinical testing. Allele origin: germline.
Comment: The p.H600P variant (also known as c.1799A>C), located in coding exon 16 of the TSC2 gene, results from an A to C substitution at nucleotide position 1799. The histidine at codon 600 is replaced by proline, an amino acid with similar properties. This amino acid position is conserved. In addition, this alteration is predicted to be deleterious by in silico analysis. Based on the available evidence, the clinical significance of this variant remains unclear.